The following is an entry in ClinVar:

NM_001202.6(BMP4):c.-347A>T

Genes: BMP4 (bone morphogenetic protein 4; minus strand), LOC109433677 (BMP4 promoter region; plus strand). Cytogenetic location: 14q22.2.
Variant type: single nucleotide variant.
Coding change: c.-347A>T on transcript NM_001202.6 (MANE Select); 347 bases upstream of the start codon, A replaced by T.
Molecular consequence: 5 prime UTR variant. On other transcripts: missense variant (1).
Genome position (GRCh38, 1-based): chr14:53,956,764, T>A on the plus strand (A>T on the coding strand, the complement: BMP4 is on the minus strand). VCF-style: chr14-53956764-T-A. GRCh37 (hg19) VCF-style: chr14-54423482-T-A.
Other names: c.57A>T, p.Glu19Asp (NM_001347912.1); c.-483A>T (NM_001347913.2); c.-138A>T (NM_130850.5); short protein forms E19D.
Identifiers: ClinVar variation 3352877 (VCV003352877.1).
Genomic context (GRCh38, chr14:53,956,764, plus strand): 5'-CGGAGCAGCAGCGGCGTCTCAGGCTCGCGTCCCTCAGCTCGGATGCCACACTCACCTAGC[T>A]TCCGGGCCGGGCTCCGCGCTCCTTCCCTCCCTCCCTCCTCCTCTGCCTTCTCGCATCTTC-3'

ClinVar aggregate classification (germline): Uncertain significance (0 of 4 stars; one submission).

Conditions:
BMP4-related disorder. Also called: BMP4-related condition.

gnomAD v4.1: 54 of 400,004 alleles (0.013%); highest among the groups gnomAD compares: African/African-American, 0.076%; no homozygotes.

Submission:

PreventionGenetics, part of Exact Sciences
Classification: Uncertain significance for BMP4-related condition. Last evaluated: 2024-03-25. Review status: no assertion criteria provided. Collection method: clinical testing. Allele origin: germline.
Comment: The BMP4 c.57A>T variant is predicted to result in the amino acid substitution p.Glu19Asp. To our knowledge, this variant has not been reported in the literature. This variant is reported in 0.023% of alleles in individuals of African descent in gnomAD. At this time, the clinical significance of this variant is uncertain due to the absence of conclusive functional and genetic evidence.